The following is an entry in ClinVar:

NM_014141.6(CNTNAP2):c.29G>A (p.Gly10Glu)

Gene: CNTNAP2 (contactin associated protein 2; plus strand). Cytogenetic location: 7q35.
Variant type: single nucleotide variant.
Coding change: c.29G>A on transcript NM_014141.6 (MANE Select); coding-DNA position 29, G replaced by A.
Protein change: p.Gly10Glu; replaces glycine 10 with glutamic acid.
Molecular consequence: missense variant.
Genome position (GRCh38, 1-based): chr7:146,116,905, G>A. VCF-style: chr7-146116905-G-A. GRCh37 (hg19) VCF-style: chr7-145813997-G-A.
Other names: short protein forms G10E.
Identifiers: ClinVar variation 290723 (VCV000290723.29), dbSNP rs886044541, ClinGen allele CA10606887.

ClinVar aggregate classification (germline): Uncertain significance. Review status: criteria provided, multiple submitters, no conflicts (2 of 4 stars). 2 submissions from 2 submitters: Uncertain significance (2). Last evaluated 2023-02-01.

Allele frequency attached by ClinVar (database versions not stated): gnomAD exomes below 0.00001.
gnomAD v4.1: 2 of 1,547,886 alleles (0.00013%); highest among the groups gnomAD compares: Non-Finnish European, 0.000087%; no homozygotes.

Submissions (2):

CeGaT Center for Human Genetics Tuebingen
Classification: Uncertain significance. Last evaluated: 2023-02-01. Review status: criteria provided, single submitter. Criteria: CeGaT Center For Human Genetics Tuebingen Variant Classification Criteria Version 2. Collection method: clinical testing. Allele origin: germline. Affected: yes. Observed: 1 variant allele.
Comment: CNTNAP2: PM2

Eurofins Ntd Llc (ga)
Classification: Uncertain significance. Last evaluated: 2016-09-20. Review status: criteria provided, single submitter. Criteria: EGL Classification Definitions 2015. Collection method: clinical testing. Allele origin: germline. Observed: 1 variant allele, 1 heterozygote.